The following is an entry in ClinVar:

ClinVar aggregate classification (germline): Conflicting classifications of pathogenicity. Review status: criteria provided, conflicting classifications (1 of 4 stars). 6 submissions from 6 submitters: Uncertain significance (4); Likely benign (2). Last evaluated 2026-01-18.

Conditions:
Inborn genetic diseases. Identifiers: MedGen C0950123, MeSH D030342.
ADGRV1-related disorder. Also called: ADGRV1-related disorders; ADGRV1-related condition.

Allele frequency attached by ClinVar (database versions not stated): ExAC 0.00003; gnomAD 0.00005; gnomAD exomes 0.00005 and 0.00006; TOPMed 0.00006.
gnomAD v4.1: 96 of 1,613,682 alleles (0.0059%); highest among the groups gnomAD compares: Middle Eastern, 0.12%; 1 homozygote.

Submissions (6):

Labcorp Genetics (formerly Invitae), Labcorp
Classification: Likely benign. Last evaluated: 2026-01-18. Review status: criteria provided, single submitter. Criteria: Invitae Variant Classification Sherloc (09022015). Collection method: clinical testing. Allele origin: germline.

PreventionGenetics, part of Exact Sciences
Classification: Uncertain significance for ADGRV1-related condition. Last evaluated: 2025-03-20. Review status: criteria provided, single submitter. Criteria: ACMG Guidelines, 2015. Collection method: clinical testing. Allele origin: germline.
Comment: The ADGRV1 c.15884A>T variant is predicted to result in the amino acid substitution p.Glu5295Val. To our knowledge, this variant has not been reported in the literature. This variant is present in 0.0070% of alleles in individuals of European (Non-Finnish) descent in gnomAD. At this time, the clinical significance of this variant is uncertain due to the absence of conclusive functional and genetic evidence.

GeneDx
Classification: Uncertain significance. Last evaluated: 2024-12-11. Review status: criteria provided, single submitter. Criteria: GeneDx Variant Classification Process June 2021. Collection method: clinical testing. Allele origin: germline.
Comment: Not observed at significant frequency in large population cohorts (gnomAD); In silico analysis indicates that this missense variant does not alter protein structure/function; Has not been previously published as pathogenic or benign to our knowledge

Blueprint Genetics
Classification: Uncertain significance. Last evaluated: 2024-07-31. Review status: criteria provided, single submitter. Criteria: ACMG Guidelines, 2015. Collection method: clinical testing. Allele origin: germline.

Ambry Genetics
Classification: Uncertain significance for Inborn genetic diseases. Last evaluated: 2024-05-02. Review status: criteria provided, single submitter. Criteria: Ambry Variant Classification Scheme 2023. Collection method: clinical testing. Allele origin: germline.

CeGaT Center for Human Genetics Tuebingen
Classification: Likely benign. Last evaluated: 2024-02-01. Review status: criteria provided, single submitter. Criteria: CeGaT Center For Human Genetics Tuebingen Variant Classification Criteria Version 2. Collection method: clinical testing. Allele origin: germline. Affected: yes. Observed: 1 variant allele.
Comment: ADGRV1: BP4

NM_032119.4(ADGRV1):c.15884A>T (p.Glu5295Val)

Gene: ADGRV1 (adhesion G protein-coupled receptor V1; plus strand). Cytogenetic location: 5q14.3.
Variant type: single nucleotide variant.
Coding change: c.15884A>T on transcript NM_032119.4 (MANE Select); coding-DNA position 15884, A replaced by T.
Protein change: p.Glu5295Val; replaces glutamic acid 5295 with valine.
Molecular consequence: missense variant. On other transcripts: non-coding transcript variant (1).
Genome position (GRCh38, 1-based): chr5:90,811,144, A>T. VCF-style: chr5-90811144-A-T. GRCh37 (hg19) VCF-style: chr5-90106961-A-T.
Other names: short protein forms E5295V.
Identifiers: ClinVar variation 963807 (VCV000963807.33), dbSNP rs766907011, ClinGen allele CA3342000.